The following is an entry in ClinVar:

ClinVar aggregate classification (germline): Likely benign. Review status: criteria provided, multiple submitters, no conflicts (2 of 4 stars). 3 submissions from 3 submitters: Likely benign (2). 1 of the submissions does not count toward it. Last evaluated 2025-09-28.

Conditions:
FAT1-related disorder. Also called: FAT1-related condition.

Allele frequency attached by ClinVar (database versions not stated): 1000 Genomes Project 30x 0.00016; ESP Exome Variant Server 0.00016; 1000 Genomes Project 0.00020; TOPMed 0.00025; gnomAD 0.00029 and 0.00036; gnomAD exomes 0.00052 and 0.00059; ExAC 0.00056.
gnomAD v4.1: 917 of 1,612,778 alleles (0.057%); highest among the groups gnomAD compares: South Asian, 0.26%; 2 homozygotes.

Submissions (3):

Labcorp Genetics (formerly Invitae), Labcorp
Classification: Likely benign. Last evaluated: 2025-09-28. Review status: criteria provided, single submitter. Criteria: Invitae Variant Classification Sherloc (09022015). Collection method: clinical testing. Allele origin: germline.

Blueprint Genetics
Classification: Likely benign. Last evaluated: 2024-09-09. Review status: criteria provided, single submitter. Criteria: ACMG Guidelines, 2015. Collection method: clinical testing. Allele origin: germline.

PreventionGenetics, part of Exact Sciences
Classification: Likely benign for FAT1-related condition. Last evaluated: 2024-01-03. Review status: no assertion criteria provided. Collection method: clinical testing. Allele origin: germline. Not counted in ClinVar's aggregate classification.
Comment: This variant is classified as likely benign based on ACMG/AMP sequence variant interpretation guidelines (Richards et al. 2015 PMID: 25741868, with internal and published modifications).

NM_005245.4(FAT1):c.9949G>A (p.Asp3317Asn)

Gene: FAT1 (FAT atypical cadherin 1; minus strand). Cytogenetic location: 4q35.2.
Variant type: single nucleotide variant.
Coding change: c.9949G>A on transcript NM_005245.4 (MANE Select); coding-DNA position 9949, G replaced by A.
Protein change: p.Asp3317Asn; replaces aspartic acid 3317 with asparagine.
Molecular consequence: missense variant.
Genome position (GRCh38, 1-based): chr4:186,609,920, C>T on the plus strand (G>A on the coding strand, the complement: FAT1 is on the minus strand). VCF-style: chr4-186609920-C-T. GRCh37 (hg19) VCF-style: chr4-187531074-C-T.
Other names: short protein forms D3317N.
Identifiers: ClinVar variation 790397 (VCV000790397.11), dbSNP rs199989457, ClinGen allele CA3165522.